The following is an entry in ClinVar:

ClinVar aggregate classification (germline): Benign. Review status: criteria provided, multiple submitters, no conflicts (2 of 4 stars). 4 submissions from 4 submitters: Benign (4). Last evaluated 2024-11-04.

Conditions:
COG7 congenital disorder of glycosylation (CDG2E). Also called: CONGENITAL DISORDER OF GLYCOSYLATION, TYPE IIe; CDG IIe. Identifiers: Orphanet 79333, MedGen C2931010, MONDO:0012118, OMIM 608779.

Submissions (4):

Mayo Clinic Laboratories, Mayo Clinic
Classification: Benign. Last evaluated: 2024-11-04. Review status: criteria provided, single submitter. Criteria: ACMG Guidelines, 2015. Collection method: clinical testing. Allele origin: germline. Observed: 559 variant alleles.
Comment: BA1, BP4, BP7

Molecular Genetics, Royal Melbourne Hospital
Classification: Benign for COG7 congenital disorder of glycosylation. Last evaluated: 2023-05-04. Review status: criteria provided, single submitter. Criteria: ACMG Guidelines, 2015. Collection method: clinical testing. Allele origin: germline. Affected: yes.
Comment: East Asian population allele frequency is 40.02% (rs775122990 5,448/13,622 alleles, 60 homozygotes in gnomAD v2.1). Based on the classification scheme RMH Modified ACMG/AMP Guidelines v1.1.0, this variant is classified as BENIGN. Following criteria are met: BA1

Labcorp Genetics (formerly Invitae), Labcorp
Classification: Benign for COG7 congenital disorder of glycosylation. Last evaluated: 2019-11-06. Review status: criteria provided, single submitter. Criteria: Invitae Variant Classification Sherloc (09022015). Collection method: clinical testing. Allele origin: germline.

GeneDx
Classification: Benign. Last evaluated: 2019-08-31. Review status: criteria provided, single submitter. Criteria: GeneDx Variant Classification Process June 2021. Collection method: clinical testing. Allele origin: germline. Affected: yes.

NM_153603.4(COG7):c.170-9del

Gene: COG7 (component of oligomeric golgi complex 7; minus strand). Cytogenetic location: 16p12.2.
Variant type: Deletion.
Coding change: c.170-9del on transcript NM_153603.4 (MANE Select); 9 bases into the intron before coding-DNA position 170, one base deleted (T; older notation c.170-9delT).
Molecular consequence: intron variant.
Genome position (GRCh38, 1-based): chr16:23,445,970, A deleted on the plus strand (T on the coding strand, the reverse complement: COG7 is on the minus strand); the first of 17 consecutive A bases (chr16:23,445,970-23,445,986); deleting any one gives the same sequence. VCF-style (leftmost placement, unchanged base first): chr16-23445969-TA-T. GRCh37 (hg19) VCF-style: chr16-23457290-TA-T.
Other names: p.?; c.170-9del (NM_153603.3); c.170-9delT (NM_153603.4).
Identifiers: ClinVar variation 318492 (VCV000318492.13), dbSNP rs71379679, ClinGen allele CA7961370.
Genomic context (GRCh38, chr16:23,445,969, plus strand): 5'-TTCAACATCACGGAGCACTTTGGGCATGTTCTGGAGAGCTTGGTGACTTGTTTCTGTAGT[TA>T]AAAAAAAAAAAAAAAACAACAACAACAGCGATAGCCACAAAAGGTGAAAGTTGGACCAGC-3'